The following is an entry in ClinVar:

ClinVar aggregate classification (germline): Conflicting classifications of pathogenicity. Review status: criteria provided, conflicting classifications (1 of 4 stars). 2 submissions from 2 submitters: Uncertain significance (1); Likely benign (1). Last evaluated 2023-12-30.

Conditions:
Ehlers-Danlos syndrome, type 4 (EDSVASC). Also called: Ehlers-Danlos Syndrome Type IV; Ehlers-Danlos syndrome vascular type; Ehlers Danlos syndrome, ecchymotic type; Ehlers Danlos syndrome, arterial type; Ehlers Danlos syndrome, Sack-Barabas type. Identifiers: Orphanet 286, MedGen C0268338, MONDO:0017314, OMIM 130050.

Submissions (2):

Labcorp Genetics (formerly Invitae), Labcorp
Classification: Likely benign for Ehlers-Danlos syndrome, type 4. Last evaluated: 2023-12-30. Review status: criteria provided, single submitter. Criteria: Invitae Variant Classification Sherloc (09022015). Collection method: clinical testing. Allele origin: germline.

All of Us Research Program, National Institutes of Health
Classification: Uncertain significance for Ehlers-Danlos syndrome, type 4. Last evaluated: 2023-05-16. Review status: criteria provided, single submitter. Criteria: ACMG Guidelines, 2015. Collection method: clinical testing. Allele origin: germline. Inheritance: Autosomal dominant inheritance. Observed: 1 variant allele, 1 heterozygote.
Comment: This variant is located in the COL3A1 protein. To our knowledge, functional studies have not been reported for this variant. This variant has not been reported in individuals affected with COL3A1-related disorders in the literature. This variant has not been identified in the general population by the Genome Aggregation Database (gnomAD). The available evidence is insufficient to determine the role of this variant in disease conclusively. Therefore, this variant is classified as a Variant of Uncertain Significance.

This study involves interpretation of variants in research participants for the purpose of population health screening. Participant phenotype was not available at the time of variant classification. Additional details can be found in publication PMID: 35346344, PMCID: PMC8962531

NM_000090.4(COL3A1):c.1938A>G (p.Thr646=)

Gene: COL3A1 (collagen type III alpha 1 chain; plus strand). Cytogenetic location: 2q32.2.
Variant type: single nucleotide variant.
Coding change: c.1938A>G on transcript NM_000090.4 (MANE Select); coding-DNA position 1938, A replaced by G.
Protein change: p.Thr646=; no amino-acid change (threonine 646 retained).
Molecular consequence: synonymous variant.
Genome position (GRCh38, 1-based): chr2:188,998,280, A>G. VCF-style: chr2-188998280-A-G. GRCh37 (hg19) VCF-style: chr2-189863006-A-G.
Identifiers: ClinVar variation 2706436 (VCV002706436.4), dbSNP rs2469141143, ClinGen allele CA430310021.